The following is an entry in ClinVar:

ClinVar aggregate classification (germline): Benign/Likely benign. Review status: criteria provided, multiple submitters, no conflicts (2 of 4 stars). 3 submissions from 3 submitters: Benign (1); Likely benign (2). Last evaluated 2024-12-17.

Conditions:
Lynch syndrome 5 (LYNCH5). Also called: Colorectal cancer, hereditary nonpolyposis, type 5; Hereditary non-polyposis colorectal cancer, type 5. Identifiers: Orphanet 144, MedGen C1833477, MONDO:0013710, OMIM 614350. Disease mechanism: loss of function.
Hereditary cancer-predisposing syndrome. Also called: Neoplastic Syndromes, Hereditary; Hereditary Cancer Syndrome; Tumor predisposition; Hereditary neoplastic syndrome. Identifiers: Orphanet 140162, MedGen C0027672, MeSH D009386, MONDO:0015356.
Hereditary nonpolyposis colorectal neoplasms. Identifiers: MedGen C0009405, MeSH D003123.

Submissions (3):

Myriad Genetics, Inc.
Classification: Benign for Lynch syndrome 5. Last evaluated: 2024-12-17. Review status: criteria provided, single submitter. Criteria: Myriad Autosomal Dominant, Autosomal Recessive and X-Linked Classification Criteria (2023). Collection method: clinical testing. Allele origin: unknown.
Comment: This variant is considered benign. This variant is a silent/synonymous amino acid change and it is not expected to impact splicing.

Labcorp Genetics (formerly Invitae), Labcorp
Classification: Likely benign for Hereditary nonpolyposis colorectal neoplasms. Last evaluated: 2024-10-10. Review status: criteria provided, single submitter. Criteria: Invitae Variant Classification Sherloc (09022015). Collection method: clinical testing. Allele origin: germline.

Ambry Genetics
Classification: Likely benign for Hereditary cancer-predisposing syndrome. Last evaluated: 2023-08-05. Review status: criteria provided, single submitter. Criteria: Ambry Variant Classification Scheme 2023. Collection method: clinical testing. Allele origin: germline.

NM_000179.3(MSH6):c.177C>T (p.Pro59=)

Gene: MSH6 (mutS homolog 6; plus strand). Cytogenetic location: 2p16.3.
Variant type: single nucleotide variant.
Coding change: c.177C>T on transcript NM_000179.3 (MANE Select); coding-DNA position 177, C replaced by T.
Protein change: p.Pro59=; no amino-acid change (proline 59 retained).
Molecular consequence: synonymous variant. On other transcripts: 5 prime UTR variant (1).
Genome position (GRCh38, 1-based): chr2:47,783,410, C>T. VCF-style: chr2-47783410-C-T. GRCh37 (hg19) VCF-style: chr2-48010549-C-T.
Other names: c.177C>T, p.Pro59= (NM_001281492.2); c.-560C>T (NM_001281493.2).
Identifiers: ClinVar variation 742704 (VCV000742704.11), dbSNP rs1572698313, ClinGen allele CA426120716.
Genomic context (GRCh38, chr2:47,783,410, plus strand): 5'-GGCCTCTCCTTCCCCAGGCGGGGATGCGGCCTGGAGCGAGGCTGGGCCTGGGCCCAGGCC[C>T]TTGGCGCGCTCCGCGTCACCGCCCAAGGCGAAGAACCTCAACGGAGGGCTGCGGAGATCG-3'
Protein context (NP_000170.1, residues 49-69): AWSEAGPGPR[Pro59=]LARSASPPKA